The following is an entry in ClinVar:

ClinVar aggregate classification (germline): Benign. Review status: criteria provided, multiple submitters, no conflicts (2 of 4 stars). 2 submissions from 2 submitters: Benign (2). Last evaluated 2018-01-12.

Conditions:
Chondrodysplasia with joint dislocations, gPAPP type. Also called: GPAPP DEFICIENCY. Identifiers: Orphanet 280586, MedGen C3279757, MONDO:0013561, OMIM 614078.

Allele frequency attached by ClinVar (database versions not stated): gnomAD exomes 0.03846; gnomAD 0.06481 and 0.06924; TOPMed 0.07358; 1000 Genomes Project 30x 0.10009; 1000 Genomes Project 0.10104.
gnomAD v4.1: 10,530 of 152,222 alleles (6.9%); highest among the groups gnomAD compares: East Asian, 27%; 572 homozygotes.

Submissions (2):

Illumina Laboratory Services, Illumina
Classification: Benign for Chondrodysplasia with joint dislocations, gPAPP type. Last evaluated: 2018-01-12. Review status: criteria provided, single submitter. Criteria: ICSL Variant Classification Criteria 13 December 2019. Collection method: clinical testing. Allele origin: germline.
Comment: This variant was observed in the ICSL laboratory as part of a predisposition screen in an ostensibly healthy population. It had not been previously curated by ICSL or reported in the Human Gene Mutation Database (HGMD: prior to June 1st, 2018), and was therefore a candidate for classification through an automated scoring system. Utilizing variant allele frequency, disease prevalence and penetrance estimates, and inheritance mode, an automated score was calculated to assess if this variant is too frequent to cause the disease. Based on the score and internal cut-off values, a variant classified as benign is not then subjected to further curation. The score for this variant resulted in a classification of benign for this disease.

Breakthrough Genomics
Classification: Benign. Review status: criteria provided, single submitter. Criteria: ACMG Guidelines, 2015. Collection method: not provided. Allele origin: germline. Inheritance: Autosomal recessive inheritance. Affected: yes.

NM_017813.5(BPNT2):c.*701C>T

Gene: BPNT2 (3'(2'), 5'-bisphosphate nucleotidase 2; minus strand). Cytogenetic location: 8q12.1.
Variant type: single nucleotide variant.
Coding change: c.*701C>T on transcript NM_017813.5 (MANE Select); 701 bases downstream of the stop codon, C replaced by T.
Molecular consequence: 3 prime UTR variant.
Genome position (GRCh38, 1-based): chr8:56,963,092, G>A on the plus strand (C>T on the coding strand, the complement: BPNT2 is on the minus strand). VCF-style: chr8-56963092-G-A. GRCh37 (hg19) VCF-style: chr8-57875651-G-A.
Identifiers: ClinVar variation 363393 (VCV000363393.6), dbSNP rs1046636, ClinGen allele CA10631368.